The following is an entry in ClinVar:

ClinVar aggregate classification (germline): Likely benign. Review status: criteria provided, single submitter (1 of 4 stars). 2 submissions from 2 submitters: Likely benign (1). 1 of the submissions does not count toward it. Last evaluated 2025-01-27.

Conditions:
RAB3GAP1-related disorder. Also called: RAB3GAP1-related condition; RAB3GAP1-related disorders.

Allele frequency attached by ClinVar (database versions not stated): gnomAD exomes 0.00002; TOPMed 0.00002; gnomAD 0.00003; ExAC 0.00006; ESP Exome Variant Server 0.00008; 1000 Genomes Project 30x 0.00031; 1000 Genomes Project 0.00040.
gnomAD v4.1: 30 of 1,614,020 alleles (0.0019%); highest among the groups gnomAD compares: Admixed American, 0.017%; no homozygotes.

Submissions (2):

Labcorp Genetics (formerly Invitae), Labcorp
Classification: Likely benign. Last evaluated: 2025-01-27. Review status: criteria provided, single submitter. Criteria: Invitae Variant Classification Sherloc (09022015). Collection method: clinical testing. Allele origin: germline.

PreventionGenetics, part of Exact Sciences
Classification: Likely benign for RAB3GAP1-related condition. Last evaluated: 2019-05-30. Review status: no assertion criteria provided. Collection method: clinical testing. Allele origin: germline. Not counted in ClinVar's aggregate classification.
Comment: This variant is classified as likely benign based on ACMG/AMP sequence variant interpretation guidelines (Richards et al. 2015 PMID: 25741868, with internal and published modifications).

NM_012233.3(RAB3GAP1):c.1848G>A (p.Pro616=)

Gene: RAB3GAP1 (RAB3 GTPase activating protein catalytic subunit 1; plus strand). Cytogenetic location: 2q21.3.
Variant type: single nucleotide variant.
Coding change: c.1848G>A on transcript NM_012233.3 (MANE Select); coding-DNA position 1848, G replaced by A.
Protein change: p.Pro616=; no amino-acid change (proline 616 retained).
Molecular consequence: synonymous variant.
Genome position (GRCh38, 1-based): chr2:135,135,857, G>A. VCF-style: chr2-135135857-G-A. GRCh37 (hg19) VCF-style: chr2-135893427-G-A.
Other names: c.1848G>A, p.Pro616= (NM_001172435.2); c.1848G>A (NM_012233.2).
Identifiers: ClinVar variation 2075622 (VCV002075622.6), dbSNP rs368626850, ClinGen allele CA1884932.